The following is an entry in ClinVar:

NM_002225.5(IVD):c.287-2A>G

Gene: IVD (isovaleryl-CoA dehydrogenase; plus strand). Cytogenetic location: 15q15.1.
Variant type: single nucleotide variant.
Coding change: c.287-2A>G on transcript NM_002225.5 (MANE Select); the canonical splice acceptor site of the intron before coding-DNA position 287, A replaced by G.
Molecular consequence: splice acceptor variant.
Genome position (GRCh38, 1-based): chr15:40,410,626, A>G. VCF-style: chr15-40410626-A-G. GRCh37 (hg19) VCF-style: chr15-40702825-A-G.
Other names: c.296-2A>G (NM_002225.3); c.374-2A>G (NM_001354600.3, NM_001354599.3); c.287-2A>G (NM_001354598.3, NM_001354601.3); c.239-2A>G (NM_001354597.3); c.197-2A>G (NM_001159508.3).
Identifiers: ClinVar variation 1339075 (VCV001339075.8), dbSNP rs781340220, ClinGen allele CA7480592.

ClinVar aggregate classification (germline): Pathogenic/Likely pathogenic. Review status: criteria provided, multiple submitters, no conflicts (2 of 4 stars). 3 submissions from 3 submitters: Pathogenic (2); Likely pathogenic (1). Last evaluated 2025-12-22.

Conditions:
Isovaleryl-CoA dehydrogenase deficiency (IVA). Also called: ISOVALERIC ACID CoA DEHYDROGENASE DEFICIENCY; Isovaleric acidemia; Classic Isovaleric Acidemia; IVD DEFICIENCY. Identifiers: Orphanet 33, MedGen C0268575, MONDO:0009475, OMIM 243500.

Allele frequency attached by ClinVar (database versions not stated): ExAC 0.00002.
gnomAD v4.1: 6 of 1,614,206 alleles (0.00037%); highest among the groups gnomAD compares: South Asian, 0.0066%; no homozygotes.

Submissions (3):

Natera, Inc.
Classification: Pathogenic for Isovaleryl-coa dehydrogenase deficiency. Last evaluated: 2025-12-22. Review status: criteria provided, single submitter. Criteria: Natera Variant Classification Schema (03/2026). Collection method: clinical testing. Allele origin: germline.
Comment: The c.296-2A>G variant in IVD is a canonical splice acceptor site variant predicted to affect pre-mRNA splicing, which may result in an abnormal transcript and altered protein product. This variant is expected to result in nonsense mediated decay, truncation, or a dysfunctional protein product. This variant is rare in the general population with a frequency below the threshold expected for the associated phenotype(s). This variant has been observed in one or more individuals affected with the associated recessive disease, as either homozygous or compound heterozygous with a second variant (PMID: 33123633). Given the available evidence, this variant is classified as Pathogenic.

Labcorp Genetics (formerly Invitae), Labcorp
Classification: Pathogenic for Isovaleryl-CoA dehydrogenase deficiency. Last evaluated: 2023-11-27. Review status: criteria provided, single submitter. Criteria: Invitae Variant Classification Sherloc (09022015). Collection method: clinical testing. Allele origin: germline.
Comment: This sequence change affects an acceptor splice site in intron 3 of the IVD gene. It is expected to disrupt RNA splicing. Variants that disrupt the donor or acceptor splice site typically lead to a loss of protein function (PMID: 16199547), and loss-of-function variants in IVD are known to be pathogenic (PMID: 16602101). This variant is present in population databases (rs781340220, gnomAD 0.01%). Disruption of this splice site has been observed in individuals with isovaleric acidemia (Invitae). ClinVar contains an entry for this variant (Variation ID: 1339075). Algorithms developed to predict the effect of sequence changes on RNA splicing suggest that this variant may disrupt the consensus splice site. For these reasons, this variant has been classified as Pathogenic.

Neuberg Centre For Genomic Medicine, NCGM
Classification: Likely pathogenic for Isovaleryl-CoA dehydrogenase deficiency. Review status: criteria provided, single submitter. Criteria: ACMG Guidelines, 2015. Collection method: clinical testing. Allele origin: germline. Affected: yes.
Comment: The splice acceptor variant c.287-2A>G in IVD (NM_002225.5) has not been reported previously as a pathogenic variant nor as a benign variant, to our knowledge. The c.287-2A>G variant is observed in 3/30,616 (0.0098%) alleles from individuals of South Asian background in gnomAD Exomes and is novel (not in any individuals) in 1000 Genomes. This variant affects an invariant splice nucelotide and is predicted to cause protien truncation. In silico tools predict a damaging effect. For these reasons, this variant has been classified as Likely Pathogenic

Literature cited by the submitters: PubMed 33123633 (cited by Natera, Inc.); PubMed 16199547 (cited by Labcorp Genetics (formerly Invitae), Labcorp); PubMed 16602101 (cited by Labcorp Genetics (formerly Invitae), Labcorp).